The following is an entry in ClinVar:

ClinVar aggregate classification (germline): Uncertain significance. Review status: criteria provided, multiple submitters, no conflicts (2 of 4 stars). 2 submissions from 2 submitters: Uncertain significance (2). Last evaluated 2025-09-25.

Allele frequency attached by ClinVar (database versions not stated): 1000 Genomes Project 30x 0.00016; ExAC 0.00004.
gnomAD v4.1: 127 of 1,551,998 alleles (0.0082%); highest among the groups gnomAD compares: Admixed American, 0.012%; no homozygotes.

Submissions (2):

Ambry Genetics
Classification: Uncertain significance. Last evaluated: 2025-09-25. Review status: criteria provided, single submitter. Criteria: Ambry Variant Classification Scheme 2023. Collection method: clinical testing. Allele origin: germline.

Labcorp Genetics (formerly Invitae), Labcorp
Classification: Uncertain significance. Last evaluated: 2024-10-16. Review status: criteria provided, single submitter. Criteria: Invitae Variant Classification Sherloc (09022015). Collection method: clinical testing. Allele origin: germline.
Comment: This sequence change replaces glutamic acid, which is acidic and polar, with glutamine, which is neutral and polar, at codon 483 of the KPNA7 protein (p.Glu483Gln). This variant is present in population databases (rs776729679, gnomAD 0.02%). This variant has not been reported in the literature in individuals affected with KPNA7-related conditions. ClinVar contains an entry for this variant (Variation ID: 1059504). Invitae Evidence Modeling of protein sequence and biophysical properties (such as structural, functional, and spatial information, amino acid conservation, physicochemical variation, residue mobility, and thermodynamic stability) indicates that this missense variant is not expected to disrupt KPNA7 protein function with a negative predictive value of 80%. In summary, the available evidence is currently insufficient to determine the role of this variant in disease. Therefore, it has been classified as a Variant of Uncertain Significance.

NM_001145715.3(KPNA7):c.1447G>C (p.Glu483Gln)

Gene: KPNA7 (karyopherin subunit alpha 7; minus strand). Cytogenetic location: 7q22.1.
Variant type: single nucleotide variant.
Coding change: c.1447G>C on transcript NM_001145715.3 (MANE Select); coding-DNA position 1447, G replaced by C.
Protein change: p.Glu483Gln; replaces glutamic acid 483 with glutamine.
Molecular consequence: missense variant.
Genome position (GRCh38, 1-based): chr7:99,177,937, C>G on the plus strand (G>C on the coding strand, the complement: KPNA7 is on the minus strand). VCF-style: chr7-99177937-C-G. GRCh37 (hg19) VCF-style: chr7-98775560-C-G.
Other names: c.1447G>C (NM_001145715.1); short protein forms E483Q.
Identifiers: ClinVar variation 1059504 (VCV001059504.8), dbSNP rs776729679, ClinGen allele CA4363096.